The following is an entry in ClinVar:

NM_005762.3(TRIM28):c.1216+1G>A

Gene: TRIM28 (tripartite motif containing 28; plus strand). Cytogenetic location: 19q13.43.
Variant type: single nucleotide variant.
Coding change: c.1216+1G>A on transcript NM_005762.3 (MANE Select); the canonical splice donor site of the intron after coding-DNA position 1216, G replaced by A.
Molecular consequence: splice donor variant.
Genome position (GRCh38, 1-based): chr19:58,548,409, G>A. VCF-style: chr19-58548409-G-A. GRCh37 (hg19) VCF-style: chr19-59059776-G-A.
Identifiers: ClinVar variation 4888317 (VCV004888317.1).

ClinVar aggregate classification (germline): Likely pathogenic (1 of 4 stars; one submission).

Conditions:
Wilms tumor 7. Identifiers: MedGen C6065906, MONDO:0979876, OMIM 621332.

Submission:

New York Genome Center
Classification: Likely pathogenic for Wilms tumor 7. Last evaluated: 2025-07-31. Review status: criteria provided, single submitter. Criteria: NYGC Assertion Criteria 2020. Collection method: clinical testing. Allele origin: germline. Observed: 1 variant allele, 1 heterozygote.
Comment: The c.1216+1G>A variant in TRIM28 has not previously been reported in the literature or variant repositories (ClinVar and HGMD) and is absent from the gnomAD v4.1.0 database, suggesting it is not a common benign variant in the populations represented in that database. The c.1216+1G>A variant is located in the canonical splice donor site of intron 8 of this 17-exon gene and is predicted to disrupt mRNA splicing of an out-of-frame exon. Based on available evidence, the c.1216+1G>A variant identified in TRIM28 is classified as Likely Pathogenic.